The following is an entry in ClinVar:

NM_006389.5(HYOU1):c.2077C>T (p.Arg693Trp)

Gene: HYOU1 (hypoxia up-regulated 1; minus strand). Cytogenetic location: 11q23.3.
Variant type: single nucleotide variant.
Coding change: c.2077C>T on transcript NM_006389.5 (MANE Select); coding-DNA position 2077, C replaced by T.
Protein change: p.Arg693Trp; replaces arginine 693 with tryptophan.
Molecular consequence: missense variant.
Genome position (GRCh38, 1-based): chr11:119,048,802, G>A on the plus strand (C>T on the coding strand, the complement: HYOU1 is on the minus strand). VCF-style: chr11-119048802-G-A. GRCh37 (hg19) VCF-style: chr11-118919514-G-A.
Other names: c.2077C>T, p.Arg693Trp (NM_001130991.3, NM_001411041.1); short protein forms R693W.
Identifiers: ClinVar variation 3107753 (VCV003107753.4), dbSNP rs782191000, ClinGen allele CA229619260.

ClinVar aggregate classification (germline): Uncertain significance. Review status: criteria provided, multiple submitters, no conflicts (2 of 4 stars). 3 submissions from 3 submitters: Uncertain significance (3). Last evaluated 2026-01-23.

gnomAD v4.1: 15 of 1,613,926 alleles (0.00093%); highest among the groups gnomAD compares: Admixed American, 0.0017%; no homozygotes.

Submissions (3):

Women's Health and Genetics/Laboratory Corporation of America, LabCorp
Classification: Uncertain significance. Last evaluated: 2026-01-23. Review status: criteria provided, single submitter. Criteria: LabCorp Variant Classification Summary - May 2015. Collection method: clinical testing. Allele origin: germline.

Labcorp Genetics (formerly Invitae), Labcorp
Classification: Uncertain significance. Last evaluated: 2025-08-10. Review status: criteria provided, single submitter. Criteria: Invitae Variant Classification Sherloc (09022015). Collection method: clinical testing. Allele origin: germline.
Comment: This sequence change replaces arginine, which is basic and polar, with tryptophan, which is neutral and slightly polar, at codon 693 of the HYOU1 protein (p.Arg693Trp). This variant is present in population databases (rs782191000, gnomAD 0.003%). This variant has not been reported in the literature in individuals affected with HYOU1-related conditions. ClinVar contains an entry for this variant (Variation ID: 3107753). An algorithm developed to predict the effect of missense changes on protein structure and function (PolyPhen-2) suggests that this variant is likely to be tolerated. In summary, the available evidence is currently insufficient to determine the role of this variant in disease. Therefore, it has been classified as a Variant of Uncertain Significance.

Ambry Genetics
Classification: Uncertain significance. Last evaluated: 2023-12-15. Review status: criteria provided, single submitter. Criteria: Ambry Variant Classification Scheme 2023. Collection method: clinical testing. Allele origin: germline.